The following is an entry in ClinVar:

ClinVar aggregate classification (germline): Uncertain significance (1 of 4 stars; one submission).

Allele frequency attached by ClinVar (database versions not stated): 1000 Genomes Project 30x 0.00016.
gnomAD v4.1: 25 of 1,614,132 alleles (0.0015%); highest among the groups gnomAD compares: South Asian, 0.025%; no homozygotes.

Submission:

Labcorp Genetics (formerly Invitae), Labcorp
Classification: Uncertain significance. Last evaluated: 2021-12-17. Review status: criteria provided, single submitter. Criteria: Invitae Variant Classification Sherloc (09022015). Collection method: clinical testing. Allele origin: germline.
Comment: This sequence change replaces arginine, which is basic and polar, with leucine, which is neutral and non-polar, at codon 186 of the FCHO1 protein (p.Arg186Leu). This variant is present in population databases (rs147599881, gnomAD 0.03%). This variant has not been reported in the literature in individuals affected with FCHO1-related conditions. Algorithms developed to predict the effect of missense changes on protein structure and function are either unavailable or do not agree on the potential impact of this missense change (SIFT: "Tolerated"; PolyPhen-2: "Possibly Damaging"; Align-GVGD: "Class C0"). In summary, the available evidence is currently insufficient to determine the role of this variant in disease. Therefore, it has been classified as a Variant of Uncertain Significance.

NM_015122.3(FCHO1):c.557G>T (p.Arg186Leu)

Gene: FCHO1 (FCH and mu domain containing endocytic adaptor 1; plus strand). Cytogenetic location: 19p13.11.
Variant type: single nucleotide variant.
Coding change: c.557G>T on transcript NM_015122.3 (MANE Select); coding-DNA position 557, G replaced by T.
Protein change: p.Arg186Leu; replaces arginine 186 with leucine.
Molecular consequence: missense variant. On other transcripts: non-coding transcript variant (36).
Genome position (GRCh38, 1-based): chr19:17,770,859, G>T. VCF-style: chr19-17770859-G-T. GRCh37 (hg19) VCF-style: chr19-17881668-G-T.
Other names: c.557G>T, p.Arg186Leu (NM_001161357.2, NM_001161358.2, NM_001384370.1 and 26 more transcripts); c.407G>T, p.Arg136Leu (NM_001161359.2, NM_001384384.1, NM_001384385.1 and 3 more transcripts); c.518G>T, p.Arg173Leu (NM_001384388.1, NM_001384389.1, NM_001384405.1); c.482G>T, p.Arg161Leu (NM_001384390.1); short protein forms R136L, R161L, R173L, R186L.
Identifiers: ClinVar variation 1981550 (VCV001981550.1), dbSNP rs147599881, ClinGen allele CA9300144.